The following is an entry in ClinVar:

ClinVar aggregate classification (germline): Pathogenic (1 of 4 stars; one submission).

Conditions:
Bardet-Biedl syndrome (BBS). Identifiers: Orphanet 110, MedGen C0752166, MONDO:0015229.

Submission:

Labcorp Genetics (formerly Invitae), Labcorp
Classification: Pathogenic for Bardet-Biedl syndrome. Last evaluated: 2024-02-19. Review status: criteria provided, single submitter. Criteria: Invitae Variant Classification Sherloc (09022015). Collection method: clinical testing. Allele origin: germline.
Comment: This sequence change creates a premature translational stop signal (p.Ala176Leufs*9) in the BBS10 gene. While this is not anticipated to result in nonsense mediated decay, it is expected to disrupt the last 548 amino acid(s) of the BBS10 protein. This variant is not present in population databases (gnomAD no frequency). This variant has not been reported in the literature in individuals affected with BBS10-related conditions. This variant disrupts a region of the BBS10 protein in which other variant(s) (p.Val707*) have been determined to be pathogenic (PMID: 20472660, 22773737, 25982971, 27486776). This suggests that this is a clinically significant region of the protein, and that variants that disrupt it are likely to be disease-causing. For these reasons, this variant has been classified as Pathogenic.

Literature cited by the submitters: PubMed 20472660; PubMed 22773737; PubMed 25982971; PubMed 27486776.

NM_024685.4(BBS10):c.526_530del (p.Ala176fs)

Gene: BBS10 (Bardet-Biedl syndrome 10; minus strand). Cytogenetic location: 12q21.2.
Variant type: Deletion.
Coding change: c.526_530del on transcript NM_024685.4 (MANE Select); coding-DNA positions 526 to 530, 5 bases deleted (GCATA; older notation c.526_530delGCATA).
Protein change: p.Ala176fs; shifts the reading frame from alanine 176.
Molecular consequence: frameshift variant.
Genome position (GRCh38, 1-based): chr12:76,347,455-76,347,459, TATGC deleted on the plus strand (GCATA on the coding strand, the reverse complement: BBS10 is on the minus strand); deleting any 5 consecutive bases within chr12:76,347,455-76,347,460 gives the same sequence; the c. name uses the placement nearest the transcript's 3' end. VCF-style (leftmost placement, unchanged base first): chr12-76347454-GTATGC-G. GRCh37 (hg19) VCF-style: chr12-76741234-GTATGC-G.
Other names: short protein forms A176fs.
Identifiers: ClinVar variation 3640172 (VCV003640172.2).
Genomic context (GRCh38, chr12:76,347,454, plus strand): 5'-GTAGTCACACATCAACTGTGAAATAAATTTATGATTATTTCTTCCCACTCTTCCACAAAA[GTATGC>G]TTCTAAGAGCAACTCTAAAGAGCTCCTACACAATGTTCTCTCTTTAGCAGACGAAAAGAT-3'